The following is an entry in ClinVar:

ClinVar aggregate classification (germline): Likely benign. Review status: criteria provided, multiple submitters, no conflicts (2 of 4 stars). 2 submissions from 2 submitters: Likely benign (2). Last evaluated 2025-12-21.

Allele frequency attached by ClinVar (database versions not stated): gnomAD exomes 0.00001.
gnomAD v4.1: 22 of 1,551,774 alleles (0.0014%); highest among the groups gnomAD compares: Admixed American, 0.0059%; no homozygotes.

Submissions (2):

Labcorp Genetics (formerly Invitae), Labcorp
Classification: Likely benign. Last evaluated: 2025-12-21. Review status: criteria provided, single submitter. Criteria: Invitae Variant Classification Sherloc (09022015). Collection method: clinical testing. Allele origin: germline.

CeGaT Center for Human Genetics Tuebingen
Classification: Likely benign. Last evaluated: 2025-09-01. Review status: criteria provided, single submitter. Criteria: CeGaT Center For Human Genetics Tuebingen Variant Classification Criteria Version 2. Collection method: clinical testing. Allele origin: germline. Affected: yes. Observed: 1 variant allele.
Comment: LOXHD1: BP4, BP7

NM_001384474.1(LOXHD1):c.5805G>A (p.Thr1935=)

Gene: LOXHD1 (lipoxygenase homology PLAT domains 1; minus strand). Cytogenetic location: 18q21.1.
Variant type: single nucleotide variant.
Coding change: c.5805G>A on transcript NM_001384474.1 (MANE Select); coding-DNA position 5805, G replaced by A.
Protein change: p.Thr1935=; no amino-acid change (threonine 1935 retained).
Molecular consequence: synonymous variant.
Genome position (GRCh38, 1-based): chr18:46,505,911, C>T on the plus strand (G>A on the coding strand, the complement: LOXHD1 is on the minus strand). VCF-style: chr18-46505911-C-T. GRCh37 (hg19) VCF-style: chr18-44085874-C-T.
Other names: c.2472G>A, p.Thr824= (NM_001145472.3); c.522G>A, p.Thr174= (NM_001145473.3, NM_001173129.2); c.2184G>A, p.Thr728= (NM_001308013.2); c.5619G>A, p.Thr1873= (NM_144612.7).
Identifiers: ClinVar variation 1151681 (VCV001151681.16), dbSNP rs1204559888, ClinGen allele CA503808722.